The following is an entry in ClinVar:

ClinVar aggregate classification (germline): Uncertain significance (1 of 4 stars; one submission).

Conditions:
Perlman syndrome (PRLMNS). Identifiers: Orphanet 2849, MedGen C0796113, MONDO:0009965, OMIM 267000.

Submission:

Labcorp Genetics (formerly Invitae), Labcorp
Classification: Uncertain significance for Perlman syndrome. Last evaluated: 2023-08-01. Review status: criteria provided, single submitter. Criteria: Invitae Variant Classification Sherloc (09022015). Collection method: clinical testing. Allele origin: germline.
Comment: This sequence change replaces valine, which is neutral and non-polar, with aspartic acid, which is acidic and polar, at codon 843 of the DIS3L2 protein (p.Val843Asp). This variant is not present in population databases (gnomAD no frequency). This variant has not been reported in the literature in individuals affected with DIS3L2-related conditions. Advanced modeling of protein sequence and biophysical properties (such as structural, functional, and spatial information, amino acid conservation, physicochemical variation, residue mobility, and thermodynamic stability) performed at Invitae indicates that this missense variant is not expected to disrupt DIS3L2 protein function. In summary, the available evidence is currently insufficient to determine the role of this variant in disease. Therefore, it has been classified as a Variant of Uncertain Significance.

NM_152383.5(DIS3L2):c.2528T>A (p.Val843Asp)

Gene: DIS3L2 (DIS3 like 3'-5' exoribonuclease 2; plus strand). Cytogenetic location: 2q37.1.
Variant type: single nucleotide variant.
Coding change: c.2528T>A on transcript NM_152383.5 (MANE Select); coding-DNA position 2528, T replaced by A.
Protein change: p.Val843Asp; replaces valine 843 with aspartic acid.
Molecular consequence: missense variant. On other transcripts: non-coding transcript variant (2), intron variant (1).
Genome position (GRCh38, 1-based): chr2:232,336,500, T>A. VCF-style: chr2-232336500-T-A. GRCh37 (hg19) VCF-style: chr2-233201210-T-A.
Other names: c.1582-6845T>A (NM_001257281.2); short protein forms V843D.
Identifiers: ClinVar variation 2782442 (VCV002782442.3), dbSNP rs2469455447, ClinGen allele CA350978900.